The following is an entry in ClinVar:

ClinVar aggregate classification (germline): Uncertain significance (1 of 4 stars; one submission).

Submission:

Ambry Genetics
Classification: Uncertain significance. Last evaluated: 2022-05-04. Review status: criteria provided, single submitter. Criteria: Ambry Variant Classification Scheme 2023. Collection method: clinical testing. Allele origin: germline.
Comment: The p.L135V variant (also known as c.403C>G), located in coding exon 4 of the RECQL gene, results from a C to G substitution at nucleotide position 403. The leucine at codon 135 is replaced by valine, an amino acid with highly similar properties. This amino acid position is highly conserved in available vertebrate species. In addition, this alteration is predicted to be tolerated by in silico analysis. The evidence for this gene-disease relationship is limited; therefore, the clinical significance of this alteration is unclear.

NM_002907.4(RECQL):c.403C>G (p.Leu135Val)

Gene: RECQL (RecQ like helicase; minus strand). Cytogenetic location: 12p12.1.
Variant type: single nucleotide variant.
Coding change: c.403C>G on transcript NM_002907.4 (MANE Select); coding-DNA position 403, C replaced by G.
Protein change: p.Leu135Val; replaces leucine 135 with valine.
Molecular consequence: missense variant.
Genome position (GRCh38, 1-based): chr12:21,486,577, G>C on the plus strand (C>G on the coding strand, the complement: RECQL is on the minus strand). VCF-style: chr12-21486577-G-C. GRCh37 (hg19) VCF-style: chr12-21639511-G-C.
Other names: c.403C>G, p.Leu135Val (NM_032941.3); short protein forms L135V.
Identifiers: ClinVar variation 1737268 (VCV001737268.2), dbSNP rs2540387520, ClinGen allele CA384130414.